The following is an entry in ClinVar:

ClinVar aggregate classification (germline): Uncertain significance. Review status: criteria provided, multiple submitters, no conflicts (2 of 4 stars). 2 submissions from 2 submitters: Uncertain significance (2). Last evaluated 2024-05-07.

Conditions:
Hyperaldosteronism, familial, type IV (HALD4). Also called: FH IV; ALDOSTERONISM, PRIMARY, AND HYPERTENSION. Identifiers: Orphanet 642671, MedGen C4310756, MONDO:0014875, OMIM 617027.
Idiopathic generalized epilepsy. Also called: EIG; Generalised epilepsy. Identifiers: MedGen C0270850, MONDO:0005579, OMIM 600669.
Epilepsy, childhood absence, susceptibility to, 6. Identifiers: Orphanet 64280, MedGen C2749872, MONDO:0012763, OMIM 611942.

Allele frequency attached by ClinVar (database versions not stated): ExAC 0.00003.

Submissions (2):

Labcorp Genetics (formerly Invitae), Labcorp
Classification: Uncertain significance for Idiopathic generalized epilepsy; Hyperaldosteronism, familial, type IV. Last evaluated: 2024-05-07. Review status: criteria provided, single submitter. Criteria: Invitae Variant Classification Sherloc (09022015). Collection method: clinical testing. Allele origin: germline.
Comment: This sequence change replaces arginine, which is basic and polar, with cysteine, which is neutral and slightly polar, at codon 2133 of the CACNA1H protein (p.Arg2133Cys). The frequency data for this variant in the population databases is considered unreliable, as metrics indicate poor data quality at this position in the gnomAD database. This variant has not been reported in the literature in individuals affected with CACNA1H-related conditions. Advanced modeling of protein sequence and biophysical properties (such as structural, functional, and spatial information, amino acid conservation, physicochemical variation, residue mobility, and thermodynamic stability) performed at Invitae indicates that this missense variant is not expected to disrupt CACNA1H protein function with a negative predictive value of 80%. In summary, the available evidence is currently insufficient to determine the role of this variant in disease. Therefore, it has been classified as a Variant of Uncertain Significance.

Fulgent Genetics
Classification: Uncertain significance for Epilepsy, childhood absence, susceptibility to, 6; Hyperaldosteronism, familial, type IV. Last evaluated: 2024-03-14. Review status: criteria provided, single submitter. Criteria: ACMG Guidelines, 2015. Collection method: clinical testing. Allele origin: germline.

NM_021098.3(CACNA1H):c.6397C>T (p.Arg2133Cys)

Gene: CACNA1H (calcium voltage-gated channel subunit alpha1 H; plus strand). Cytogenetic location: 16p13.3.
Variant type: single nucleotide variant.
Coding change: c.6397C>T on transcript NM_021098.3 (MANE Select); coding-DNA position 6397, C replaced by T.
Protein change: p.Arg2133Cys; replaces arginine 2133 with cysteine.
Molecular consequence: missense variant.
Genome position (GRCh38, 1-based): chr16:1,220,329, C>T. VCF-style: chr16-1220329-C-T. GRCh37 (hg19) VCF-style: chr16-1270329-C-T.
Other names: c.6379C>T, p.Arg2127Cys (NM_001005407.2); short protein forms R2133C, R2127C.
Identifiers: ClinVar variation 2924345 (VCV002924345.4), dbSNP rs765510801, ClinGen allele CA7802345.